The following is an entry in ClinVar:

ClinVar aggregate classification (germline): Uncertain significance (1 of 4 stars; one submission).

Allele frequency attached by ClinVar (database versions not stated): gnomAD exomes below 0.00001 and 0.00001; ESP Exome Variant Server 0.00008.
gnomAD v4.1: 9 of 1,612,882 alleles (0.00056%); highest among the groups gnomAD compares: Non-Finnish European, 0.00076%; no homozygotes.

Submission:

Labcorp Genetics (formerly Invitae), Labcorp
Classification: Uncertain significance. Last evaluated: 2021-06-07. Review status: criteria provided, single submitter. Criteria: Invitae Variant Classification Sherloc (09022015). Collection method: clinical testing. Allele origin: germline.
Comment: This sequence change replaces methionine with isoleucine at codon 456 of the CHRM2 protein (p.Met456Ile). The methionine residue is moderately conserved and there is a small physicochemical difference between methionine and isoleucine. This variant is not present in population databases (ExAC no frequency). This variant has not been reported in the literature in individuals with CHRM2-related conditions. Algorithms developed to predict the effect of missense changes on protein structure and function (SIFT, PolyPhen-2, Align-GVGD) all suggest that this variant is likely to be tolerated, but these predictions have not been confirmed by published functional studies and their clinical significance is uncertain. In summary, the available evidence is currently insufficient to determine the role of this variant in disease. Therefore, it has been classified as a Variant of Uncertain Significance.

NM_001006630.2(CHRM2):c.1368G>T (p.Met456Ile)

Genes: CHRM2 (cholinergic receptor muscarinic 2; plus strand), LOC349160 (uncharacterized LOC349160; minus strand). Cytogenetic location: 7q33.
Variant type: single nucleotide variant.
Coding change: c.1368G>T on transcript NM_001006630.2 (MANE Select); coding-DNA position 1368, G replaced by T.
Protein change: p.Met456Ile; replaces methionine 456 with isoleucine.
Molecular consequence: missense variant.
Genome position (GRCh38, 1-based): chr7:137,016,233, G>T. VCF-style: chr7-137016233-G-T. GRCh37 (hg19) VCF-style: chr7-136700980-G-T.
Other names: c.1368G>T, p.Met456Ile (NM_000739.3, NM_001006626.3, NM_001006627.3 and 6 more transcripts); short protein forms M456I.
Identifiers: ClinVar variation 1378834 (VCV001378834.8), dbSNP rs139832815, ClinGen allele CA167698586.